The following is an entry in ClinVar:

NM_000431.4(MVK):c.1135A>G (p.Ile379Val)

Gene: MVK (mevalonate kinase; plus strand). Cytogenetic location: 12q24.11.
Variant type: single nucleotide variant.
Coding change: c.1135A>G on transcript NM_000431.4 (MANE Select); coding-DNA position 1135, A replaced by G.
Protein change: p.Ile379Val; replaces isoleucine 379 with valine.
Molecular consequence: missense variant. On other transcripts: 3 prime UTR variant (2), non-coding transcript variant (4).
Genome position (GRCh38, 1-based): chr12:109,596,521, A>G. VCF-style: chr12-109596521-A-G. GRCh37 (hg19) VCF-style: chr12-110034326-A-G.
Other names: c.1135A>G, p.Ile379Val (NM_001114185.3, NM_001414511.1); c.979A>G, p.Ile327Val (NM_001301182.2); c.1210A>G, p.Ile404Val (NM_001414512.1); c.*54A>G (NM_001414513.1, NM_001414514.1); c.553A>G, p.Ile185Val (NM_001414515.1); short protein forms I185V, I327V, I379V, I404V.
Identifiers: ClinVar variation 2931940 (VCV002931940.3), dbSNP rs1354629238, ClinGen allele CA386651408.

ClinVar aggregate classification (germline): Uncertain significance (1 of 4 stars; one submission).

Conditions:
Mevalonic aciduria (MEVA). Identifiers: Orphanet 29, MedGen C1959626, MONDO:0012481, OMIM 610377.
Hyperimmunoglobulin D with periodic fever (HIDS). Also called: HYPERIMMUNOGLOBULINEMIA D AND PERIODIC FEVER SYNDROME; Hyperimmunoglobulinemia D; Hyperimmunoglobulinemia D with periodic fever. Identifiers: Orphanet 343, MedGen C0398691, MONDO:0009849, OMIM 260920.
Porokeratosis 3, disseminated superficial actinic type (POROK3). Also called: POROKERATOSIS, DISSEMINATED SUPERFICIAL ACTINIC, 1; POROKERATOSIS 3, MIBELLI TYPE; POROKERATOSIS 3, MULTIPLE TYPES. Identifiers: MedGen C1867981, MONDO:0008293, OMIM 175900.

Allele frequency attached by ClinVar (database versions not stated): gnomAD exomes below 0.00001; TOPMed below 0.00001; gnomAD 0.00001.
gnomAD v4.1: 7 of 1,612,668 alleles (0.00043%); highest among the groups gnomAD compares: South Asian, 0.0066%; no homozygotes.

Submission:

Labcorp Genetics (formerly Invitae), Labcorp
Classification: Uncertain significance for Mevalonic aciduria; Hyperimmunoglobulin D with periodic fever; Porokeratosis 3, disseminated superficial actinic type. Last evaluated: 2024-01-16. Review status: criteria provided, single submitter. Criteria: Invitae Variant Classification Sherloc (09022015). Collection method: clinical testing. Allele origin: germline.
Comment: This sequence change replaces isoleucine, which is neutral and non-polar, with valine, which is neutral and non-polar, at codon 379 of the MVK protein (p.Ile379Val). This variant is present in population databases (no rsID available, gnomAD 0.003%). This variant has not been reported in the literature in individuals affected with MVK-related conditions. Advanced modeling of protein sequence and biophysical properties (such as structural, functional, and spatial information, amino acid conservation, physicochemical variation, residue mobility, and thermodynamic stability) performed at Invitae indicates that this missense variant is not expected to disrupt MVK protein function with a negative predictive value of 95%. In summary, the available evidence is currently insufficient to determine the role of this variant in disease. Therefore, it has been classified as a Variant of Uncertain Significance.